The following is an entry in ClinVar:

NM_002185.5(IL7R):c.623del (p.Ile208fs)

Gene: IL7R (interleukin 7 receptor; plus strand). Cytogenetic location: 5p13.2.
Variant type: Deletion.
Coding change: c.623del on transcript NM_002185.5 (MANE Select); coding-DNA position 623, one base deleted (T; older notation c.623delT).
Protein change: p.Ile208fs; shifts the reading frame from isoleucine 208.
Molecular consequence: frameshift variant.
Genome position (GRCh38, 1-based): chr5:35,873,565, T deleted. VCF-style (leftmost placement, unchanged base first): chr5-35873564-AT-A. GRCh37 (hg19) VCF-style: chr5-35873666-AT-A.
Other names: c.623del, p.Ile208fs (NM_001410734.1); short protein forms I208fs.
Identifiers: ClinVar variation 2780052 (VCV002780052.3), dbSNP rs2531575367, ClinGen allele CA2695202700.

ClinVar aggregate classification (germline): Pathogenic (1 of 4 stars; one submission).

Conditions:
Immunodeficiency 104. Also called: Severe combined immunodeficiency, autosomal recessive, T cell-negative, B cell-positive, NK cell-positive; IMMUNODEFICIENCY 104, SEVERE COMBINED; SCID, AUTOSOMAL RECESSIVE, T CELL-NEGATIVE, B CELL-POSITIVE, NK CELL-POSITIVE; Severe Combined Immune Deficiency, Autosomal Recessive, TCell -Negative, B Cell-Positive, NK Cell-Positive, IL7R-Related. Identifiers: MedGen C5676890, MONDO:0012163, OMIM 608971.

Submission:

Labcorp Genetics (formerly Invitae), Labcorp
Classification: Pathogenic for Immunodeficiency 104. Last evaluated: 2023-11-28. Review status: criteria provided, single submitter. Criteria: Invitae Variant Classification Sherloc (09022015). Collection method: clinical testing. Allele origin: germline.
Comment: This sequence change creates a premature translational stop signal (p.Ile208Thrfs*36) in the IL7R gene. It is expected to result in an absent or disrupted protein product. Loss-of-function variants in IL7R are known to be pathogenic (PMID: 21664875, 26123418). This variant is not present in population databases (gnomAD no frequency). This premature translational stop signal has been observed in individual(s) with severe combined immunodeficiency (PMID: 33628209). For these reasons, this variant has been classified as Pathogenic.

Literature cited by the submitters: PubMed 21664875; PubMed 26123418; PubMed 33628209.